The following is an entry in ClinVar:

ClinVar aggregate classification (germline): Pathogenic (0 of 4 stars; one submission).

Conditions:
Fanconi anemia complementation group N. Also called: PALB2-Related Fanconi Anemia. Identifiers: Orphanet 84, MedGen C1835817, MONDO:0012565, OMIM 610832. Disease mechanism: loss of function.

Submission:

Leiden Open Variation Database
Classification: Pathogenic for Fanconi anemia complementation group N. Last evaluated: 2019-05-13. Review status: no assertion criteria provided. Collection method: curation. Allele origin: germline. Affected: yes.
Comment: Curators: Marc Tischkowitz, Arleen D. Auerbach. Submitters to LOVD: Arleen D. Auerbach, LOVD-team, but with Curator vacancy, Marc Tischkowitz.

Literature cited by the submitters: PubMed 17200671; PubMed 19264984.

NM_024675.4(PALB2):c.3294_3298del (p.Lys1098fs)

Gene: PALB2 (partner and localizer of BRCA2; minus strand). Cytogenetic location: 16p12.2.
Variant type: Deletion.
Coding change: c.3294_3298del on transcript NM_024675.4 (MANE Select); coding-DNA positions 3294 to 3298, 5 bases deleted (GACGA; older notation c.3294_3298delGACGA).
Protein change: p.Lys1098fs; shifts the reading frame from lysine 1098.
Molecular consequence: frameshift variant.
Genome position (GRCh38, 1-based): chr16:23,607,916-23,607,920, TCGTC deleted on the plus strand (GACGA on the coding strand, the reverse complement: PALB2 is on the minus strand); deleting any 5 consecutive bases within chr16:23,607,916-23,607,921 gives the same sequence; the c. name uses the placement nearest the transcript's 3' end. VCF-style (leftmost placement, unchanged base first): chr16-23607915-GTCGTC-G. GRCh37 (hg19) VCF-style: chr16-23619236-GTCGTC-G.
Other names: short protein forms K1098fs.
Identifiers: ClinVar variation 830202 (VCV000830202.1), dbSNP rs180177134, ClinGen allele CA279527477.